The following is an entry in ClinVar:

NM_001007527.2(LMBRD2):c.1441T>A (p.Phe481Ile)

Gene: LMBRD2 (LMBR1 domain containing 2; minus strand). Cytogenetic location: 5p13.2.
Variant type: single nucleotide variant.
Coding change: c.1441T>A on transcript NM_001007527.2 (MANE Select); coding-DNA position 1441, T replaced by A.
Protein change: p.Phe481Ile; replaces phenylalanine 481 with isoleucine.
Molecular consequence: missense variant.
Genome position (GRCh38, 1-based): chr5:36,115,116, A>T on the plus strand (T>A on the coding strand, the complement: LMBRD2 is on the minus strand). VCF-style: chr5-36115116-A-T. GRCh37 (hg19) VCF-style: chr5-36115218-A-T.
Other names: short protein forms F481I.
Identifiers: ClinVar variation 4056584 (VCV004056584.1).

ClinVar aggregate classification (germline): Uncertain significance (1 of 4 stars; one submission).

Conditions:
Developmental delay with variable neurologic and brain abnormalities (MLHNS). Also called: MALHOTRA NEURODEVELOPMENTAL SYNDROME. Identifiers: MedGen C5562060, MONDO:0859218, OMIM 619694.

Submission:

Laboratorio de Genetica e Diagnostico Molecular, Hospital Israelita Albert Einstein
Classification: Uncertain significance for Developmental delay with variable neurologic and brain abnormalities. Last evaluated: 2023-11-03. Review status: criteria provided, single submitter. Criteria: ACMG Guidelines, 2015. Collection method: clinical testing. Allele origin: germline. Affected: yes.
Comment: ACMG classification criteria: PM2 moderate, BP4 supporting